The following is an entry in ClinVar:

ClinVar aggregate classification (germline): Benign/Likely benign. Review status: criteria provided, multiple submitters, no conflicts (2 of 4 stars). 3 submissions from 3 submitters: Benign (1); Likely benign (2). Last evaluated 2024-08-09.

Conditions:
Hereditary cancer-predisposing syndrome. Also called: Neoplastic Syndromes, Hereditary; Hereditary neoplastic syndrome; Tumor predisposition; Hereditary Cancer Syndrome. Identifiers: Orphanet 140162, MedGen C0027672, MeSH D009386, MONDO:0015356.
Familial cancer of breast. Also called: Hereditary breast cancer; BREAST CANCER, FAMILIAL; hereditary breast carcinoma. Identifiers: Orphanet 227535, MedGen C0346153, MONDO:0016419, OMIM 114480. Disease mechanism: loss of function.
Fanconi anemia complementation group J. Also called: BRIP1-Related Fanconi Anemia. Identifiers: Orphanet 84, MedGen C1836860, MONDO:0012187, OMIM 609054.

Submissions (3):

Myriad Genetics, Inc.
Classification: Benign for Familial cancer of breast. Last evaluated: 2024-08-09. Review status: criteria provided, single submitter. Criteria: Myriad Autosomal Dominant, Autosomal Recessive and X-Linked Classification Criteria (2023). Collection method: clinical testing. Allele origin: unknown.
Comment: This variant is considered benign. This variant is a silent/synonymous amino acid change and it is not expected to impact splicing.

Labcorp Genetics (formerly Invitae), Labcorp
Classification: Likely benign for Familial cancer of breast; Fanconi anemia complementation group J. Last evaluated: 2022-10-07. Review status: criteria provided, single submitter. Criteria: Invitae Variant Classification Sherloc (09022015). Collection method: clinical testing. Allele origin: germline.

Ambry Genetics
Classification: Likely benign for Hereditary cancer-predisposing syndrome. Last evaluated: 2022-04-18. Review status: criteria provided, single submitter. Criteria: Ambry Variant Classification Scheme 2023. Collection method: clinical testing. Allele origin: germline.

NM_032043.3(BRIP1):c.66C>T (p.Tyr22=)

Gene: BRIP1 (BRCA1 interacting DNA helicase 1; minus strand). Cytogenetic location: 17q23.2.
Variant type: single nucleotide variant.
Coding change: c.66C>T on transcript NM_032043.3 (MANE Select); coding-DNA position 66, C replaced by T.
Protein change: p.Tyr22=; no amino-acid change (tyrosine 22 retained).
Molecular consequence: synonymous variant.
Genome position (GRCh38, 1-based): chr17:61,861,474, G>A on the plus strand (C>T on the coding strand, the complement: BRIP1 is on the minus strand). VCF-style: chr17-61861474-G-A. GRCh37 (hg19) VCF-style: chr17-59938835-G-A.
Identifiers: ClinVar variation 1134548 (VCV001134548.13), dbSNP rs1603368431, ClinGen allele CA501151850.
Genomic context (GRCh38, chr17:61,861,474, plus strand): 5'-TTAATAAAAACTTAACTGCTGAAAAATACTTACAGAATTCATCATAGCAAGCTGTGACGG[G>A]TAAGCTTTATAAGGAAAGTAAATCTTCACCCCACCAATTGTATATTCAGACCACATTGAA-3'
Protein context (NP_114432.2, residues 12-32): GVKIYFPYKA[Tyr22=]PSQLAMMNSI